The following is an entry in ClinVar:

NM_001082486.2(ACD):c.728G>A (p.Cys243Tyr)

Gene: ACD (ACD shelterin complex subunit and telomerase recruitment factor; minus strand). Cytogenetic location: 16q22.1.
Variant type: single nucleotide variant.
Coding change: c.728G>A on transcript NM_001082486.2 (MANE Select); coding-DNA position 728, G replaced by A.
Protein change: p.Cys243Tyr; replaces cysteine 243 with tyrosine.
Molecular consequence: missense variant.
Genome position (GRCh38, 1-based): chr16:67,658,734, C>T on the plus strand (G>A on the coding strand, the complement: ACD is on the minus strand). VCF-style: chr16-67658734-C-T. GRCh37 (hg19) VCF-style: chr16-67692637-C-T.
Other names: c.728G>A, p.Cys243Tyr (NM_001410884.1); c.719G>A, p.Cys240Tyr (NM_022914.3); short protein forms C243Y, C240Y.
Identifiers: ClinVar variation 3479787 (VCV003479787.1).

ClinVar aggregate classification (germline): Uncertain significance (1 of 4 stars; one submission).

Conditions:
Inborn genetic diseases. Identifiers: MedGen C0950123, MeSH D030342.

Submission:

Ambry Genetics
Classification: Uncertain significance for Inborn genetic diseases. Last evaluated: 2024-07-02. Review status: criteria provided, single submitter. Criteria: Ambry Variant Classification Scheme 2023. Collection method: clinical testing. Allele origin: germline.
Comment: The p.C329Y variant (also known as c.986G>A), located in coding exon 8 of the ACD gene, results from a G to A substitution at nucleotide position 986. The cysteine at codon 329 is replaced by tyrosine, an amino acid with highly dissimilar properties. This amino acid position is conserved. In addition, this alteration is predicted to be tolerated by in silico analysis. Based on the available evidence, the clinical significance of this variant remains unclear.